The following is an entry in ClinVar:

ClinVar aggregate classification (germline): Uncertain significance (1 of 4 stars; one submission).

Submission:

Illumina Laboratory Services, Illumina
Classification: Uncertain significance. Last evaluated: 2023-06-07. Review status: criteria provided, single submitter. Criteria: ICSL CNVClassificationCriteria Aug2020. Collection method: clinical testing. Allele origin: unknown.
Comment: This CNV is a 1.2 Mb deletion of 2q31.3, on chromosome 2, seq[GRCh37]del(2)(q31.3), NC_000002.11:g.181456042_182687758del, which is found in a de novo state. This CNV encompasses the following protein coding genes: CERKL, ITGA4, NEUROD1, UBE2E3. A similar overlapping deletion has been reported in an individual with autism and global developmental delay (PMID: 19344873). This CNV has not been reported in controls. Based on the available evidence, this CNV is classified as a variant of uncertain significance.

Single allele

Genes: CERKL (ceramide kinase like; minus strand), ITGA4 (integrin subunit alpha 4; plus strand), NEUROD1 (neuronal differentiation 1; minus strand), UBE2E3 (ubiquitin conjugating enzyme E2 E3; plus strand). Cytogenetic location: 2q31.3.
Variant type: Deletion.
Identifiers: ClinVar variation 2671616 (VCV002671616.1).